The following is an entry in ClinVar:

NM_033305.3(VPS13A):c.7243C>T (p.Leu2415Phe)

Gene: VPS13A (vacuolar protein sorting 13 homolog A; plus strand). Cytogenetic location: 9q21.2.
Variant type: single nucleotide variant.
Coding change: c.7243C>T on transcript NM_033305.3 (MANE Select); coding-DNA position 7243, C replaced by T.
Protein change: p.Leu2415Phe; replaces leucine 2415 with phenylalanine.
Molecular consequence: missense variant.
Genome position (GRCh38, 1-based): chr9:77,345,096, C>T. VCF-style: chr9-77345096-C-T. GRCh37 (hg19) VCF-style: chr9-79960012-C-T.
Other names: c.7126C>T, p.Leu2376Phe (NM_001018037.2); c.7243C>T, p.Leu2415Phe (NM_001018038.3, NM_015186.4); short protein forms L2376F, L2415F.
Identifiers: ClinVar variation 4700402 (VCV004700402.1).

ClinVar aggregate classification (germline): Uncertain significance (1 of 4 stars; one submission).

gnomAD v4.1: 14 of 1,613,082 alleles (0.00087%); highest among the groups gnomAD compares: Non-Finnish European, 0.0012%; no homozygotes.

Submission:

Labcorp Genetics (formerly Invitae), Labcorp
Classification: Uncertain significance. Last evaluated: 2025-03-19. Review status: criteria provided, single submitter. Criteria: Invitae Variant Classification Sherloc (09022015). Collection method: clinical testing. Allele origin: germline.
Comment: This sequence change replaces leucine, which is neutral and non-polar, with phenylalanine, which is neutral and non-polar, at codon 2415 of the VPS13A protein (p.Leu2415Phe). The frequency data for this variant in the population databases is considered unreliable, as metrics indicate poor data quality at this position in the gnomAD database. This variant has not been reported in the literature in individuals affected with VPS13A-related conditions. Invitae Evidence Modeling of protein sequence and biophysical properties (such as structural, functional, and spatial information, amino acid conservation, physicochemical variation, residue mobility, and thermodynamic stability) indicates that this missense variant is expected to disrupt VPS13A protein function with a positive predictive value of 80%. In summary, the available evidence is currently insufficient to determine the role of this variant in disease. Therefore, it has been classified as a Variant of Uncertain Significance.